The following is an entry in ClinVar:

ClinVar aggregate classification (germline): Uncertain significance (1 of 4 stars; one submission).

Submission:

Labcorp Genetics (formerly Invitae), Labcorp
Classification: Uncertain significance. Last evaluated: 2023-07-17. Review status: criteria provided, single submitter. Criteria: Invitae Variant Classification Sherloc (09022015). Collection method: clinical testing. Allele origin: germline.
Comment: In summary, the available evidence is currently insufficient to determine the role of this variant in disease. Therefore, it has been classified as a Variant of Uncertain Significance. Algorithms developed to predict the effect of missense changes on protein structure and function output the following: SIFT: "Not Available"; PolyPhen-2: "Benign"; Align-GVGD: "Not Available". The threonine amino acid residue is found in multiple mammalian species, which suggests that this missense change does not adversely affect protein function. ClinVar contains an entry for this variant (Variation ID: 2127480). This variant has not been reported in the literature in individuals affected with C1S-related conditions. This variant is not present in population databases (gnomAD no frequency). This sequence change replaces alanine, which is neutral and non-polar, with threonine, which is neutral and polar, at codon 31 of the C1S protein (p.Ala31Thr).

NM_001734.5(C1S):c.91G>A (p.Ala31Thr)

Gene: C1S (complement C1s; plus strand). Cytogenetic location: 12p13.31.
Variant type: single nucleotide variant.
Coding change: c.91G>A on transcript NM_001734.5 (MANE Select); coding-DNA position 91, G replaced by A.
Protein change: p.Ala31Thr; replaces alanine 31 with threonine.
Molecular consequence: missense variant. On other transcripts: intron variant (1).
Genome position (GRCh38, 1-based): chr12:7,062,560, G>A. VCF-style: chr12-7062560-G-A. GRCh37 (hg19) VCF-style: chr12-7169864-G-A.
Other names: c.91G>A, p.Ala31Thr (NM_201442.4); c.-288-330G>A (NM_001346850.2); short protein forms A31T.
Identifiers: ClinVar variation 2127480 (VCV002127480.4), dbSNP rs2539593159, ClinGen allele CA383687876.